The following is an entry in ClinVar:

ClinVar aggregate classification (germline): Uncertain significance (0 of 4 stars; one submission).

Conditions:
Amyotrophic lateral sclerosis (ALS). Also called: Lou Gehrig disease; Charcot disease. Identifiers: Orphanet 803, MedGen C0002736, MONDO:0004976, HP:0007354.

Submission:

Motor Neurone Disease Genetics and Therapeutics, Perron Institute for Neurological and Translational Science
Classification: Uncertain significance for Amyotrophic lateral sclerosis. Review status: no assertion criteria provided. Collection method: case-control. Allele origin: germline. Affected: yes.
Comment: The 9TTTA allele was associated with reduced risk for sALS but only in spinal onset sALS patients. This is the first report of such effect and more evidence is needed to be certain that this variant carries a protective effect.

NM_021076.4(NEFH):c.1083+254=

Gene: NEFH (neurofilament heavy chain; plus strand). Cytogenetic location: 22q12.2.
Variant type: Variation.
Coding change: c.1083+254= on transcript NM_021076.4 (MANE Select); 254 bases into the intron after coding-DNA position 1083, no change from the reference sequence.
Molecular consequence: intron variant.
Genome position: GRCh38: chr22:29,483,828-29,483,863. GRCh37 (hg19): chr22:29,879,817-29,879,852.
Identifiers: ClinVar variation 1676846 (VCV001676846.3), dbSNP rs140814097.